The following is an entry in ClinVar:

NM_006031.6(PCNT):c.8997-4A>C

Gene: PCNT (pericentrin; plus strand). Cytogenetic location: 21q22.3.
Variant type: single nucleotide variant.
Coding change: c.8997-4A>C on transcript NM_006031.6 (MANE Select); 4 bases into the intron before coding-DNA position 8997, A replaced by C.
Molecular consequence: intron variant.
Genome position (GRCh38, 1-based): chr21:46,436,975, A>C. VCF-style: chr21-46436975-A-C. GRCh37 (hg19) VCF-style: chr21-47856888-A-C.
Other names: c.8406-4A>C (NM_001315529.2).
Identifiers: ClinVar variation 4999388 (VCV004999388.1).
Genomic context (GRCh38, chr21:46,436,975, plus strand): 5'-TTAGTTTTGCATAATGGTCACTTGGGGCGCGTATGCAACTTTGAGTGCCCATTTATTTTT[A>C]CAGGACAGTTAATGATTGGACGTCATCCAATGAGAAAGCAGTGATGTCTTTACTGCACAC-3'

ClinVar aggregate classification (germline): Uncertain significance (1 of 4 stars; one submission).

Conditions:
PCNT-related disorder. Also called: PCNT-related condition.

gnomAD v4.1: 1 of 1,609,404 alleles (0.000062%); highest among the groups gnomAD compares: South Asian, 0.0011%; no homozygotes.

Submission:

PreventionGenetics, part of Exact Sciences
Classification: Uncertain significance for PCNT-related condition. Last evaluated: 2025-10-28. Review status: criteria provided, single submitter. Criteria: ACMG Guidelines, 2015. Collection method: clinical testing. Allele origin: germline.
Comment: The PCNT c.8997-4A>C variant is predicted to interfere with splicing. This variant is predicted to alter splicing based on available splicing prediction programs (SpliceAI, Jaganathan et al. 2019. PubMed ID: 30661751). To our knowledge, this variant has not been reported in the literature or in a large population database (gnomAD), indicating this variant is rare. At this time, the clinical significance of this variant is uncertain due to the absence of conclusive functional and genetic evidence.